The following is an entry in ClinVar:

ClinVar aggregate classification (germline): Uncertain significance (1 of 4 stars; one submission).

Conditions:
Charcot-Marie-Tooth disease axonal type 2C (HMSN2C). Also called: CHARCOT-MARIE-TOOTH DISEASE, AXONAL, AUTOSOMAL DOMINANT, TYPE 2C; Charcot-Marie-Tooth Neuropathy Type 2C; Charcot-Marie-Tooth Disease Type 2, TRPV4-Related (CMT2C). Identifiers: Orphanet 99937, MedGen C1853710, MONDO:0011633, OMIM 606071.

Submission:

Labcorp Genetics (formerly Invitae), Labcorp
Classification: Uncertain significance for Charcot-Marie-Tooth disease axonal type 2C. Last evaluated: 2022-11-04. Review status: criteria provided, single submitter. Criteria: Invitae Variant Classification Sherloc (09022015). Collection method: clinical testing. Allele origin: germline.
Comment: In summary, the available evidence is currently insufficient to determine the role of this variant in disease. Therefore, it has been classified as a Variant of Uncertain Significance. Variants that disrupt the consensus splice site are a relatively common cause of aberrant splicing (PMID: 17576681, 9536098). Algorithms developed to predict the effect of sequence changes on RNA splicing suggest that this variant is not likely to affect RNA splicing. This variant has not been reported in the literature in individuals affected with TRPV4-related conditions. This variant is not present in population databases (gnomAD no frequency). This sequence change falls in intron 7 of the TRPV4 gene. It does not directly change the encoded amino acid sequence of the TRPV4 protein. It affects a nucleotide within the consensus splice site.

Literature cited by the submitters: PubMed 17576681; PubMed 9536098.

NM_021625.5(TRPV4):c.1333-3T>C

Gene: TRPV4 (transient receptor potential cation channel subfamily V member 4; minus strand). Cytogenetic location: 12q24.11.
Variant type: single nucleotide variant.
Coding change: c.1333-3T>C on transcript NM_021625.5 (MANE Select); 3 bases into the intron before coding-DNA position 1333, T replaced by C.
Molecular consequence: intron variant.
Genome position (GRCh38, 1-based): chr12:109,794,490, A>G on the plus strand (T>C on the coding strand, the complement: TRPV4 is on the minus strand). VCF-style: chr12-109794490-A-G. GRCh37 (hg19) VCF-style: chr12-110232295-A-G.
Other names: c.1012-3T>C (NM_001177433.1); c.1192-3T>C (NM_001177428.1); c.1153-3T>C (NM_147204.2); c.1231-3T>C (NM_001177431.1).
Identifiers: ClinVar variation 2796086 (VCV002796086.3), dbSNP rs2548732644, ClinGen allele CA2739277301.
Genomic context (GRCh38, chr12:109,794,490, plus strand): 5'-GCCACTTGTCCCGCAGCAGTTCATTGATGGGCTCCACAGCCAGCATCTCGTGGCGGTTCT[A>G]AGAGAGGCAGGGTGGTCGGGGGCTGCCTTCCTGAGATGGGTGGGGGGTCCAGGCAGGCTG-3'